The following is an entry in ClinVar:

ClinVar aggregate classification (germline): Conflicting classifications of pathogenicity. Review status: criteria provided, conflicting classifications (1 of 4 stars). 2 submissions from 2 submitters: Uncertain significance (1); Benign (1). Last evaluated 2026-08-16.

Conditions:
Familial thoracic aortic aneurysm and aortic dissection (TAAD). Also called: Thoracic aortic aneurysms and dissections. Identifiers: Orphanet 91387, MedGen C4707243, MONDO:0019625.
Oto-palato-digital syndrome, type II (OPD2). Also called: Otopalatodigital Syndrome, Type II; Otopalatodigital Syndrome Type 2 (FLNA-OPD2); FACIOPALATOOSSEOUS SYNDROME; OPD II SYNDROME. Identifiers: Orphanet 669, Orphanet 90652, MedGen C1844696, MONDO:0010571, OMIM 304120.
Melnick-Needles syndrome (MNS). Also called: Melnick-Needles Syndrome (FLNA-MNS); MELNICK-NEEDLES OSTEODYSPLASTY; OSTEODYSPLASTY OF MELNICK AND NEEDLES. Identifiers: Orphanet 2484, MedGen C0025237, MONDO:0010650, OMIM 309350.
Heterotopia, periventricular, X-linked dominant (PVNH1). Also called: PERIVENTRICULAR NODULAR HETEROTOPIA 1; X-linked periventricular heterotopia; PERIVENTRICULAR NODULAR HETEROTOPIA 4; HETEROTOPIA, PERIVENTRICULAR, 1. Identifiers: Orphanet 2149, Orphanet 82004, MedGen C1848213, MONDO:0010233, OMIM 300049.
Frontometaphyseal dysplasia (FMD1). Identifiers: Orphanet 1826, MedGen C0265293, MONDO:0015942.

Allele frequency attached by ClinVar (database versions not stated): ExAC 0.00002.

Submissions (2):

Ambry Genetics
Classification: Uncertain significance for Familial thoracic aortic aneurysm and aortic dissection. Last evaluated: 2026-08-16. Review status: criteria provided, single submitter. Criteria: Ambry Variant Classification Scheme 2023. Collection method: clinical testing. Allele origin: germline.
Comment: The p.I1136F variant (also known as c.3406A>T), located in coding exon 21 of the FLNA gene, results from an A to T substitution at nucleotide position 3406. The isoleucine at codon 1136 is replaced by phenylalanine, an amino acid with highly similar properties. This amino acid position is conserved. In addition, this alteration is predicted to be deleterious by in silico analysis. Based on data from gnomAD, the T allele has an overall frequency of 0.0011% (2/181095) total alleles studied, with 1 hemizygote(s) observed. The highest observed frequency was 0.0148% (2/13541) of East Asian alleles. Based on the available evidence, the clinical significance of this variant remains unclear.

Labcorp Genetics (formerly Invitae), Labcorp
Classification: Benign for Oto-palato-digital syndrome, type II; Heterotopia, periventricular, X-linked dominant; Frontometaphyseal dysplasia; Melnick-Needles syndrome. Last evaluated: 2025-10-28. Review status: criteria provided, single submitter. Criteria: Invitae Variant Classification Sherloc (09022015). Collection method: clinical testing. Allele origin: germline.

NM_001110556.2(FLNA):c.3406A>T (p.Ile1136Phe)

Gene: FLNA (filamin A; minus strand). Cytogenetic location: Xq28.
Variant type: single nucleotide variant.
Coding change: c.3406A>T on transcript NM_001110556.2 (MANE Select); coding-DNA position 3406, A replaced by T.
Protein change: p.Ile1136Phe; replaces isoleucine 1136 with phenylalanine.
Molecular consequence: missense variant.
Genome position (GRCh38, 1-based): chrX:154,360,389, T>A on the plus strand (A>T on the coding strand, the complement: FLNA is on the minus strand). VCF-style: chrX-154360389-T-A. GRCh37 (hg19) VCF-style: chrX-153588757-T-A.
Other names: c.3406A>T, p.Ile1136Phe (NM_001456.4); c.3406A>T (NM_001456.3); short protein forms I1136F.
Identifiers: ClinVar variation 2929695 (VCV002929695.4), dbSNP rs782395522, ClinGen allele CA10560712.
Genomic context (GRCh38, chrX:154,360,389, plus strand): 5'-GAACCACGTGGGCCTTGAATGGGGAGCCAGGGATGTGGGTGTCAGCGAAGAGGATGTTGA[T>A]GTTGTAGTCCCCGGGCTCGGTGGGCACGTAGGACACGGAACATGTGCCATCCCCATTGTC-3'
Protein context (NP_001104026.1, residues 1126-1146): YVPTEPGDYN[Ile1136Phe]NILFADTHIP